The following is an entry in ClinVar:

ClinVar aggregate classification (germline): Conflicting classifications of pathogenicity. Review status: criteria provided, conflicting classifications (1 of 4 stars). 3 submissions from 3 submitters: Uncertain significance (1); Likely benign (2). Last evaluated 2024-02-09.

Conditions:
Hereditary breast ovarian cancer syndrome. Also called: Breast and ovarian cancer; BRCA1- and BRCA2-Associated Hereditary Breast and Ovarian Cancer; Hereditary breast and ovarian cancer; Hereditary breast and/or ovarian cancer syndrome; Hereditary breast and ovarian cancer syndrome; Hereditary breast and ovarian cancer syndrome (HBOC). Identifiers: Orphanet 145, MedGen C0677776, MeSH D061325, MONDO:0003582. Disease mechanism: loss of function.
Hereditary cancer-predisposing syndrome. Also called: Tumor predisposition; Hereditary neoplastic syndrome; Neoplastic Syndromes, Hereditary; Hereditary Cancer Syndrome. Identifiers: Orphanet 140162, MedGen C0027672, MeSH D009386, MONDO:0015356.
Familial cancer of breast. Also called: hereditary breast carcinoma; Hereditary breast cancer; BREAST CANCER, FAMILIAL. Identifiers: Orphanet 227535, MedGen C0346153, MONDO:0016419, OMIM 114480. Disease mechanism: loss of function.

Allele frequency attached by ClinVar (database versions not stated): gnomAD exomes below 0.00001.
gnomAD v4.1: 1 of 1,614,134 alleles (0.000062%); highest among the groups gnomAD compares: African/African-American, 0.0013%; no homozygotes.

Submissions (3):

MGZ Medical Genetics Center
Classification: Likely benign for Familial cancer of breast. Last evaluated: 2024-02-09. Review status: criteria provided, single submitter. Criteria: CSpec BRCA1/2ACMG Rules Specifications V1.1.0. Collection method: clinical testing. Allele origin: germline. Affected: yes.
Comment: ACMG codes applied following ENIGMA VCEP rules: BP1_STR, PM2_SUP

University of Washington Department of Laboratory Medicine, University of Washington
Classification: Likely benign for Hereditary cancer-predisposing syndrome. Last evaluated: 2023-03-23. Review status: criteria provided, single submitter. Criteria: Dines et al. (Genet Med. 2020). Collection method: curation. Allele origin: germline.
Comment: Missense variant in a coldspot region where missense variants are very unlikely to be pathogenic (PMID:31911673).

BRCA2 exon 11 coldspot. Reclassification based on statistical prior probability.

Labcorp Genetics (formerly Invitae), Labcorp
Classification: Uncertain significance for Hereditary breast ovarian cancer syndrome. Last evaluated: 2022-06-03. Review status: criteria provided, single submitter. Criteria: Invitae Variant Classification Sherloc (09022015). Collection method: clinical testing. Allele origin: germline.
Comment: In summary, the available evidence is currently insufficient to determine the role of this variant in disease. Therefore, it has been classified as a Variant of Uncertain Significance. Advanced modeling of protein sequence and biophysical properties (such as structural, functional, and spatial information, amino acid conservation, physicochemical variation, residue mobility, and thermodynamic stability) performed at Invitae indicates that this missense variant is not expected to disrupt BRCA2 protein function. This variant has not been reported in the literature in individuals affected with BRCA2-related conditions. This variant is not present in population databases (gnomAD no frequency). This sequence change replaces glutamine, which is neutral and polar, with arginine, which is basic and polar, at codon 1175 of the BRCA2 protein (p.Gln1175Arg).

NM_000059.4(BRCA2):c.3524A>G (p.Gln1175Arg)

Gene: BRCA2 (BRCA2 DNA repair associated; plus strand). Cytogenetic location: 13q13.1.
Variant type: single nucleotide variant.
Coding change: c.3524A>G on transcript NM_000059.4 (MANE Select); coding-DNA position 3524, A replaced by G.
Protein change: p.Gln1175Arg; replaces glutamine 1175 with arginine.
Molecular consequence: missense variant.
Genome position (GRCh38, 1-based): chr13:32,337,879, A>G. VCF-style: chr13-32337879-A-G. GRCh37 (hg19) VCF-style: chr13-32912016-A-G.
Other names: c.3524A>G, p.Gln1175Arg (NM_001406719.1, NM_001406720.1); short protein forms Q1175R.
Identifiers: ClinVar variation 2159521 (VCV002159521.6), dbSNP rs2137497514, ClinGen allele CA387777066.